The following is an entry in ClinVar:

ClinVar aggregate classification (germline): Uncertain significance. Review status: criteria provided, multiple submitters, no conflicts (2 of 4 stars). 4 submissions from 4 submitters: Uncertain significance (4). Last evaluated 2025-10-06.

Conditions:
Hereditary cancer-predisposing syndrome. Also called: Hereditary Cancer Syndrome; Hereditary neoplastic syndrome; Neoplastic Syndromes, Hereditary; Tumor predisposition. Identifiers: Orphanet 140162, MedGen C0027672, MeSH D009386, MONDO:0015356.
Oligodontia-cancer predisposition syndrome. Also called: TOOTH AGENESIS-COLORECTAL CANCER SYNDROME. Identifiers: Orphanet 300576, MedGen C1837750, MONDO:0012075, OMIM 608615. Disease mechanism: loss of function.

Allele frequency attached by ClinVar (database versions not stated): gnomAD exomes 0.00001; ExAC 0.00003.
gnomAD v4.1: 17 of 1,588,770 alleles (0.0011%); highest among the groups gnomAD compares: Middle Eastern, 0.033%; 1 homozygote.

Submissions (4):

Labcorp Genetics (formerly Invitae), Labcorp
Classification: Uncertain significance for Oligodontia-cancer predisposition syndrome. Last evaluated: 2025-10-06. Review status: criteria provided, single submitter. Criteria: Invitae Variant Classification Sherloc (09022015). Collection method: clinical testing. Allele origin: germline.
Comment: This sequence change replaces threonine, which is neutral and polar, with methionine, which is neutral and non-polar, at codon 419 of the AXIN2 protein (p.Thr419Met). This variant is not present in population databases (gnomAD no frequency). This variant has not been reported in the literature in individuals affected with AXIN2-related conditions. ClinVar contains an entry for this variant (Variation ID: 408828). Invitae Evidence Modeling of protein sequence and biophysical properties (such as structural, functional, and spatial information, amino acid conservation, physicochemical variation, residue mobility, and thermodynamic stability) indicates that this missense variant is not expected to disrupt AXIN2 protein function with a negative predictive value of 80%. In summary, the available evidence is currently insufficient to determine the role of this variant in disease. Therefore, it has been classified as a Variant of Uncertain Significance.

Ambry Genetics
Classification: Uncertain significance for Hereditary cancer-predisposing syndrome. Last evaluated: 2025-09-14. Review status: criteria provided, single submitter. Criteria: Ambry Variant Classification Scheme 2023. Collection method: clinical testing. Allele origin: germline.
Comment: The p.T419M variant (also known as c.1256C>T), located in coding exon 5 of the AXIN2 gene, results from a C to T substitution at nucleotide position 1256. The threonine at codon 419 is replaced by methionine, an amino acid with similar properties. This amino acid position is poorly conserved in available vertebrate species. In addition, this alteration is predicted to be tolerated by in silico analysis. Since supporting evidence is limited at this time, the clinical significance of this alteration remains unclear.

Quest Diagnostics Nichols Institute San Juan Capistrano
Classification: Uncertain significance. Last evaluated: 2025-01-07. Review status: criteria provided, single submitter. Criteria: Quest Diagnostics criteria. Collection method: clinical testing. Allele origin: unknown.
Comment: The AXIN2 c.1256C>T (p.Thr419Met) variant has not been reported in individuals with AXIN2-related conditions in the published literature. It also has not been reported in large, multi-ethnic general populations (Genome Aggregation Database). Analysis of this variant using bioinformatics tools for the prediction of the effect of amino acid changes on protein structure and function yielded predictions that this variant is benign. Based on the available information, we are unable to determine the clinical significance of this variant.

Sema4
Classification: Uncertain significance for Hereditary cancer-predisposing syndrome. Last evaluated: 2021-07-28. Review status: criteria provided, single submitter. Criteria: Sema4 Curation Guidelines. Collection method: curation. Allele origin: germline.
Comment: The AXIN2 c.1256C>T (p.T419M) variant has not been reported in literature to our knowledge. It was not observed in the large and broad cohorts of the Genome Aggregation Database (PMID: 32461654). This variant has been reported in ClinVar (Variation ID 408828). Functional studies have not been performed, and in silico predictions of the variant's effect on protein function are inconclusive. The overall evidence is insufficient to meet ACMG/AMP criteria for classifying it as benign or pathogenic. In summary, the clinical significance of this variant is currently uncertain.

NM_004655.4(AXIN2):c.1256C>T (p.Thr419Met)

Gene: AXIN2 (axin 2; minus strand). Cytogenetic location: 17q24.1.
Variant type: single nucleotide variant.
Coding change: c.1256C>T on transcript NM_004655.4 (MANE Select); coding-DNA position 1256, C replaced by T.
Protein change: p.Thr419Met; replaces threonine 419 with methionine.
Molecular consequence: missense variant.
Genome position (GRCh38, 1-based): chr17:65,537,780, G>A on the plus strand (C>T on the coding strand, the complement: AXIN2 is on the minus strand). VCF-style: chr17-65537780-G-A. GRCh37 (hg19) VCF-style: chr17-63533898-G-A.
Other names: c.1256C>T (LRG_296t1); c.1256C>T, p.Thr419Met (NM_001363813.1); short protein forms T419M.
Identifiers: ClinVar variation 408828 (VCV000408828.15), dbSNP rs759790948, ClinGen allele CA8718699.
Genomic context (GRCh38, chr17:65,537,780, plus strand): 5'-AGTATCGTCTGCGGGTCTTCCTCGTAGCTGCCGGAGGGCAGTAGGGAGAGGGGGTGCTGC[G>A]TGGGCGCCCCCTCCCGCGAATTGAGTGTGAGCTCGGAGCCCTCTCTCTCTTCATCCTGAA-3'
Protein context (NP_004646.3, residues 409-429): LTLNSREGAP[Thr419Met]QHPLSLLPSG